The following is an entry in ClinVar:

ClinVar aggregate classification (germline): Pathogenic. Review status: criteria provided, single submitter (1 of 4 stars). 2 submissions from 1 submitter: Pathogenic (1). 1 of the submissions does not count toward it. Last evaluated 2022-10-13.

Conditions:
Multiple congenital anomalies-hypotonia-seizures syndrome 1 (MCAHS1). Also called: GLYCOSYLPHOSPHATIDYLINOSITOL BIOSYNTHESIS DEFECT 3; PIGN-CDG; Congenital disorder of glycosylation due to PIGN deficiency. Identifiers: Orphanet 280633, MedGen C3279775, MONDO:0013563, OMIM 614080.

Submissions (2):

Labcorp Genetics (formerly Invitae), Labcorp
Classification: Pathogenic. Last evaluated: 2022-10-13. Review status: criteria provided, single submitter. Criteria: Invitae Variant Classification Sherloc (09022015). Collection method: clinical testing. Allele origin: germline.
Comment: A gross deletion of the genomic region encompassing the full coding sequence of the TNFRSF11A gene has been identified. Loss-of-function variants in TNFRSF11A are known to be pathogenic (PMID: 10677500, 18606301, 22271396). The boundaries of this event are unknown as they extend beyond the assayed region for this gene and therefore may encompass additional genes. This variant has not been reported in the literature in individuals affected with TNFRSF11A-related conditions. For these reasons, this variant has been classified as Pathogenic.

Labcorp Genetics (formerly Invitae), Labcorp
Classification: Pathogenic for Multiple congenital anomalies-hypotonia-seizures syndrome 1. Last evaluated: 2021-01-12. Review status: flagged submission. Criteria: Invitae Variant Classification Sherloc (09022015). Collection method: clinical testing. Allele origin: germline. Not counted in ClinVar's aggregate classification.
Comment: A gross deletion of the genomic region encompassing the full coding sequence of the PIGN gene has been identified. The boundaries of this event are unknown as the deletion extends beyond the assayed region for this gene and therefore may encompass additional genes. This variant has not been reported in the literature in individuals with PIGN-related conditions. Loss-of-function variants in PIGN are known to be pathogenic (PMID: 24253414, 27038415). For these reasons, this variant has been classified as Pathogenic.
ClinVar note: Reason: This record appears to be redundant with a more recent record from the same submitter.
ClinVar note: Notes: SCV002239643 appears to be redundant with SCV002168562.

Literature cited by the submitters: PubMed 10677500; PubMed 18606301; PubMed 22271396; PubMed 24253414; PubMed 27038415.

NC_000018.9:g.(?_59713089)_(61654512_?)del

Genes: SERPINB2 (serpin family B member 2; plus strand), BCL2 (BCL2 apoptosis regulator; minus strand), HMSD (histocompatibility minor serpin domain containing; plus strand), KDSR (3-ketodihydrosphingosine reductase; minus strand), PHLPP1 (PH domain and leucine rich repeat protein phosphatase 1; plus strand) and 14 more. Cytogenetic location: 18q21.33-22.1.
Variant type: Deletion.
Identifiers: ClinVar variation 1403561 (VCV001403561.4).